The following is an entry in ClinVar:

NM_003265.3(TLR3):c.2314G>A (p.Glu772Lys)

Gene: TLR3 (toll like receptor 3; plus strand). Cytogenetic location: 4q35.1.
Variant type: single nucleotide variant.
Coding change: c.2314G>A on transcript NM_003265.3 (MANE Select); coding-DNA position 2314, G replaced by A.
Protein change: p.Glu772Lys; replaces glutamic acid 772 with lysine.
Molecular consequence: missense variant.
Genome position (GRCh38, 1-based): chr4:186,084,000, G>A. VCF-style: chr4-186084000-G-A. GRCh37 (hg19) VCF-style: chr4-187005154-G-A.
Other names: short protein forms E772K.
Identifiers: ClinVar variation 2106802 (VCV002106802.4), dbSNP rs1307085864, ClinGen allele CA358936836.

ClinVar aggregate classification (germline): Uncertain significance (1 of 4 stars; one submission).

Conditions:
Encephalopathy, acute, infection-induced (herpes-specific), susceptibility to, 1. Also called: Herpes simplex encephalitis, susceptibility to, 1. Identifiers: Orphanet 1930, MedGen C2750180, MONDO:0024563, OMIM 610551.

Allele frequency attached by ClinVar (database versions not stated): gnomAD exomes below 0.00001; gnomAD 0.00001; TOPMed 0.00001.
gnomAD v4.1: 6 of 1,614,024 alleles (0.00037%); highest among the groups gnomAD compares: Non-Finnish European, 0.00051%; no homozygotes.

Submission:

Labcorp Genetics (formerly Invitae), Labcorp
Classification: Uncertain significance for Encephalopathy, acute, infection-induced (herpes-specific), susceptibility to, 1. Last evaluated: 2022-06-22. Review status: criteria provided, single submitter. Criteria: Invitae Variant Classification Sherloc (09022015). Collection method: clinical testing. Allele origin: germline.
Comment: In summary, the available evidence is currently insufficient to determine the role of this variant in disease. Therefore, it has been classified as a Variant of Uncertain Significance. Algorithms developed to predict the effect of missense changes on protein structure and function output the following: SIFT: "Tolerated"; PolyPhen-2: "Benign"; Align-GVGD: "Class C0". The lysine amino acid residue is found in multiple mammalian species, which suggests that this missense change does not adversely affect protein function. This variant has not been reported in the literature in individuals affected with TLR3-related conditions. This variant is not present in population databases (gnomAD no frequency). This sequence change replaces glutamic acid, which is acidic and polar, with lysine, which is basic and polar, at codon 772 of the TLR3 protein (p.Glu772Lys).